The following is an entry in ClinVar:

ClinVar aggregate classification (germline): Uncertain significance. Review status: criteria provided, multiple submitters, no conflicts (2 of 4 stars). 3 submissions from 3 submitters: Uncertain significance (3). Last evaluated 2023-05-26.

Conditions:
Inborn genetic diseases. Identifiers: MedGen C0950123, MeSH D030342.
Neuronal ceroid lipofuscinosis 1 (CLN1). Also called: PPT1-Related Neuronal Ceroid-Lipofuscinosis; CEROID LIPOFUSCINOSIS, NEURONAL, 1, VARIABLE AGE AT ONSET. Identifiers: Orphanet 228329, MedGen C1850451, MONDO:0009744, OMIM 256730.

Allele frequency attached by ClinVar (database versions not stated): gnomAD exomes below 0.00001.
gnomAD v4.1: 2 of 1,613,868 alleles (0.00012%); highest among the groups gnomAD compares: Non-Finnish European, 0.00017%; no homozygotes.

Submissions (3):

Ambry Genetics
Classification: Uncertain significance for Inborn genetic diseases. Last evaluated: 2023-05-26. Review status: criteria provided, single submitter. Criteria: Ambry Variant Classification Scheme 2023. Collection method: clinical testing. Allele origin: germline.

Labcorp Genetics (formerly Invitae), Labcorp
Classification: Uncertain significance for Neuronal ceroid lipofuscinosis 1. Last evaluated: 2021-09-02. Review status: criteria provided, single submitter. Criteria: Invitae Variant Classification Sherloc (09022015). Collection method: clinical testing. Allele origin: germline.
Comment: This sequence change replaces asparagine with serine at codon 135 of the PPT1 protein (p.Asn135Ser). The asparagine residue is moderately conserved and there is a small physicochemical difference between asparagine and serine. This variant is not present in population databases (ExAC no frequency). This variant has not been reported in the literature in individuals affected with PPT1-related conditions. Algorithms developed to predict the effect of missense changes on protein structure and function output the following: SIFT: "Tolerated"; PolyPhen-2: "Benign"; Align-GVGD: "Class C0". The serine amino acid residue is found in multiple mammalian species, which suggests that this missense change does not adversely affect protein function. Algorithms developed to predict the effect of sequence changes on RNA splicing suggest that this variant may create or strengthen a splice site. In summary, the available evidence is currently insufficient to determine the role of this variant in disease. Therefore, it has been classified as a Variant of Uncertain Significance.

Juno Genomics, Hangzhou Juno Genomics, Inc
Classification: Uncertain significance for Neuronal ceroid lipofuscinosis 1. Review status: criteria provided, single submitter. Criteria: ACMG Guidelines, 2015. Collection method: clinical testing. Allele origin: germline. Affected: yes.
Comment: Absent from controls (or at extremely low frequency if recessive) in Genome Aggregation Database, Exome Sequencing Project, 1000 Genomes Project, or Exome Aggregation Consortium.

NM_000310.4(PPT1):c.404A>G (p.Asn135Ser)

Gene: PPT1 (palmitoyl-protein thioesterase 1; minus strand). Cytogenetic location: 1p34.2.
Variant type: single nucleotide variant.
Coding change: c.404A>G on transcript NM_000310.4 (MANE Select); coding-DNA position 404, A replaced by G.
Protein change: p.Asn135Ser; replaces asparagine 135 with serine.
Molecular consequence: missense variant. On other transcripts: intron variant (1).
Genome position (GRCh38, 1-based): chr1:40,091,358, T>C on the plus strand (A>G on the coding strand, the complement: PPT1 is on the minus strand). VCF-style: chr1-40091358-T-C. GRCh37 (hg19) VCF-style: chr1-40557030-T-C.
Other names: c.404A>G, p.Asn135Ser (NM_001363695.2); c.125-1846A>G (NM_001142604.2); c.404A>G (NM_000310.3); short protein forms N135S.
Identifiers: ClinVar variation 1026557 (VCV001026557.9), dbSNP rs1342695798, ClinGen allele CA339848855.
Genomic context (GRCh38, chr1:40,091,358, plus strand): 5'-CAGAAAAAAGAAAGCAAAGAGGCAAAGTTACCTTGATGTTGTCCCCCAACCGAGATCAGA[T>C]TGATCATGGGAGGTGAAGGGCATCTCTGAGCCACTGCCCTCCTACGGAATAAAAGGGAGT-3'
Protein context (NP_000301.1, residues 125-145): AQRCPSPPMI[Asn135Ser]LISVGGQHQG